The following is an entry in ClinVar:

ClinVar aggregate classification (germline): Uncertain significance (1 of 4 stars; one submission).

Submission:

Ambry Genetics
Classification: Uncertain significance. Last evaluated: 2025-03-30. Review status: criteria provided, single submitter. Criteria: Ambry Variant Classification Scheme 2023. Collection method: clinical testing. Allele origin: germline.
Comment: The p.A778G variant (also known as c.2333C>G), located in coding exon 13 of the ATRIP gene, results from a C to G substitution at nucleotide position 2333. The alanine at codon 778 is replaced by glycine, an amino acid with similar properties. This amino acid position is conserved. In addition, this alteration is predicted to be tolerated by in silico analysis. Based on the available evidence, the clinical significance of this variant remains unclear.

NM_130384.3(ATRIP):c.2333C>G (p.Ala778Gly)

Genes: ATRIP (ATR interacting protein; plus strand), ATRIP-TREX1 (ATRIP-TREX1 readthrough; plus strand), LOC129936704 (ATAC-STARR-seq lymphoblastoid active region 19829; plus strand). Cytogenetic location: 3p21.31.
Variant type: single nucleotide variant.
Coding change: c.2333C>G on transcript NM_130384.3 (MANE Select); coding-DNA position 2333, C replaced by G.
Protein change: p.Ala778Gly; replaces alanine 778 with glycine.
Molecular consequence: missense variant. On other transcripts: non-coding transcript variant (1).
Genome position (GRCh38, 1-based): chr3:48,465,511, C>G. VCF-style: chr3-48465511-C-G. GRCh37 (hg19) VCF-style: chr3-48506910-C-G.
Other names: c.1952C>G, p.Ala651Gly (NM_001271022.2); c.2054C>G, p.Ala685Gly (NM_001271023.2); c.2252C>G, p.Ala751Gly (NM_032166.4); short protein forms A651G, A778G, A685G, A751G.
Identifiers: ClinVar variation 3975839 (VCV003975839.1).
Genomic context (GRCh38, chr3:48,465,511, plus strand): 5'-TGGGCCCTCACCAGGAACCTCTCCTTTTTGTCTCAGAGGCAGCCCTGGATGACCTCTGTG[C>G]CGCGGAAACCGATGTGGAAGACCCCGAGGTGGAGTGTGGCTGAGGCCCTGAGTGTCCAGC-3'
Protein context (NP_569055.1, residues 768-788): CEEAALDDLC[Ala778Gly]AETDVEDPEV